The following is an entry in ClinVar:

NM_000465.4(BARD1):c.1755C>T (p.Leu585=)

Gene: BARD1 (BRCA1 associated RING domain 1; minus strand). Cytogenetic location: 2q35.
Variant type: single nucleotide variant.
Coding change: c.1755C>T on transcript NM_000465.4 (MANE Select); coding-DNA position 1755, C replaced by T.
Protein change: p.Leu585=; no amino-acid change (leucine 585 retained).
Molecular consequence: synonymous variant. On other transcripts: non-coding transcript variant (3), intron variant (1).
Genome position (GRCh38, 1-based): chr2:214,745,777, G>A on the plus strand (C>T on the coding strand, the complement: BARD1 is on the minus strand). VCF-style: chr2-214745777-G-A. GRCh37 (hg19) VCF-style: chr2-215610501-G-A.
Other names: c.1755C>T (NM_000465.2); c.1698C>T, p.Leu566= (NM_001282543.2); c.402C>T, p.Leu134= (NM_001282545.2); c.345C>T, p.Leu115= (NM_001282548.2); c.365-15269C>T (NM_001282549.2).
Identifiers: ClinVar variation 1624930 (VCV001624930.11), dbSNP rs2106020941, ClinGen allele CA431145896.

ClinVar aggregate classification (germline): Benign/Likely benign. Review status: criteria provided, multiple submitters, no conflicts (2 of 4 stars). 3 submissions from 3 submitters: Benign (1); Likely benign (2). Last evaluated 2025-12-10.

Conditions:
Hereditary cancer-predisposing syndrome. Also called: Neoplastic Syndromes, Hereditary; Hereditary neoplastic syndrome; Hereditary Cancer Syndrome; Tumor predisposition. Identifiers: Orphanet 140162, MedGen C0027672, MeSH D009386, MONDO:0015356.
Familial cancer of breast. Also called: hereditary breast carcinoma; BREAST CANCER, FAMILIAL; Hereditary breast cancer. Identifiers: Orphanet 227535, MedGen C0346153, MONDO:0016419, OMIM 114480. Disease mechanism: loss of function.

Allele frequency attached by ClinVar (database versions not stated): gnomAD exomes below 0.00001.
gnomAD v4.1: 1 of 1,614,026 alleles (0.000062%); highest among the groups gnomAD compares: South Asian, 0.0011%; no homozygotes.

Submissions (3):

Ambry Genetics
Classification: Likely benign for Hereditary cancer-predisposing syndrome. Last evaluated: 2025-12-10. Review status: criteria provided, single submitter. Criteria: Ambry Variant Classification Scheme 2023. Collection method: clinical testing. Allele origin: germline.

Myriad Genetics, Inc.
Classification: Benign for Familial cancer of breast. Last evaluated: 2024-07-26. Review status: criteria provided, single submitter. Criteria: Myriad Autosomal Dominant, Autosomal Recessive and X-Linked Classification Criteria (2023). Collection method: clinical testing. Allele origin: unknown.
Comment: This variant is considered benign. This variant is a silent/synonymous amino acid change and it is not expected to impact splicing.

Labcorp Genetics (formerly Invitae), Labcorp
Classification: Likely benign for Familial cancer of breast. Last evaluated: 2023-08-24. Review status: criteria provided, single submitter. Criteria: Invitae Variant Classification Sherloc (09022015). Collection method: clinical testing. Allele origin: germline.